The following is an entry in ClinVar:

NM_004706.4(ARHGEF1):c.2405-3C>A

Gene: ARHGEF1 (Rho guanine nucleotide exchange factor 1; plus strand). Cytogenetic location: 19q13.2.
Variant type: single nucleotide variant.
Coding change: c.2405-3C>A on transcript NM_004706.4 (MANE Select); 3 bases into the intron before coding-DNA position 2405, C replaced by A.
Molecular consequence: intron variant.
Genome position (GRCh38, 1-based): chr19:41,905,936, C>A. VCF-style: chr19-41905936-C-A. GRCh37 (hg19) VCF-style: chr19-42410088-C-A.
Other names: c.2306-3C>A (NM_198977.2); c.2450-3C>A (NM_199002.2).
Identifiers: ClinVar variation 1472191 (VCV001472191.7), dbSNP rs368319532, ClinGen allele CA9466723.

ClinVar aggregate classification (germline): Uncertain significance (1 of 4 stars; one submission).

Allele frequency attached by ClinVar (database versions not stated): TOPMed 0.00005; gnomAD exomes 0.00006 and 0.00011; ExAC 0.00002; gnomAD 0.00003 and 0.00004; ESP Exome Variant Server 0.00015.
gnomAD v4.1: 162 of 1,614,042 alleles (0.01%); highest among the groups gnomAD compares: Non-Finnish European, 0.013%; no homozygotes.

Submissions (2):

Labcorp Genetics (formerly Invitae), Labcorp
Classification: Uncertain significance. Last evaluated: 2025-10-29. Review status: criteria provided, single submitter. Criteria: Invitae Variant Classification Sherloc (09022015). Collection method: clinical testing. Allele origin: germline.
Comment: This sequence change falls in intron 25 of the ARHGEF1 gene. It does not directly change the encoded amino acid sequence of the ARHGEF1 protein. It affects a nucleotide within the consensus splice site. This variant is present in population databases (rs368319532, gnomAD 0.009%). This variant has not been reported in the literature in individuals affected with ARHGEF1-related conditions. ClinVar contains an entry for this variant (Variation ID: 1472191). Variants that disrupt the consensus splice site are a relatively common cause of aberrant splicing (PMID: 17576681, 9536098). Algorithms developed to predict the effect of sequence changes on RNA splicing suggest that this variant may disrupt the consensus splice site. In summary, the available evidence is currently insufficient to determine the role of this variant in disease. Therefore, it has been classified as a Variant of Uncertain Significance.

Dr. Peter K. Rogan Lab, Western University
No classification provided (evidence only). Condition: Colon adenocarcinoma. Review status: no classification provided. Collection method: in vitro. Allele origin: not applicable. Functional consequence: retained intron. Not counted in ClinVar's aggregate classification.

Literature cited by the submitters: PubMed 17576681 (cited by Labcorp Genetics (formerly Invitae), Labcorp); PubMed 9536098 (cited by Labcorp Genetics (formerly Invitae), Labcorp).